The following is an entry in ClinVar:

NM_000303.3(PMM2):c.*915T>A

Gene: PMM2 (phosphomannomutase 2; plus strand). Cytogenetic location: 16p13.2.
Variant type: single nucleotide variant.
Coding change: c.*915T>A on transcript NM_000303.3 (MANE Select); 915 bases downstream of the stop codon, T replaced by A.
Molecular consequence: 3 prime UTR variant.
Genome position (GRCh38, 1-based): chr16:8,848,740, T>A. VCF-style: chr16-8848740-T-A. GRCh37 (hg19) VCF-style: chr16-8942597-T-A.
Identifiers: ClinVar variation 885988 (VCV000885988.4), dbSNP rs114954775, ClinGen allele CA277501063.

ClinVar aggregate classification (germline): Likely benign (1 of 4 stars; one submission).

Conditions:
PMM2-congenital disorder of glycosylation. Also called: Congenital disorder of glycosylation, type Ia; PMM2-CDG; CDG Ia; JAEKEN SYNDROME; PHOSPHOMANNOMUTASE 2 DEFICIENCY; CARBOHYDRATE-DEFICIENT GLYCOPROTEIN SYNDROME, TYPE Ia. Identifiers: Orphanet 79318, MedGen C0349653, MONDO:0008907, OMIM 212065.

Allele frequency attached by ClinVar (database versions not stated): gnomAD 0.00404 and 0.00441; 1000 Genomes Project 0.00439; TOPMed 0.00440; 1000 Genomes Project 30x 0.00453.

Submission:

Illumina Laboratory Services, Illumina
Classification: Likely benign for PMM2-congenital disorder of glycosylation. Last evaluated: 2018-01-13. Review status: criteria provided, single submitter. Criteria: ICSL Variant Classification Criteria 13 December 2019. Collection method: clinical testing. Allele origin: germline.
Comment: This variant was observed in the ICSL laboratory as part of a predisposition screen in an ostensibly healthy population. It had not been previously curated by ICSL or reported in the Human Gene Mutation Database (HGMD: prior to June 1st, 2018), and was therefore a candidate for classification through an automated scoring system. Utilizing variant allele frequency, disease prevalence and penetrance estimates, and inheritance mode, an automated score was calculated to assess if this variant is too frequent to cause the disease. Based on the score and internal cut-off values, a variant classified as likely benign is not then subjected to further curation. The score for this variant resulted in a classification of likely benign for this disease.